The following is an entry in ClinVar:

NM_001242896.3(DEPDC5):c.3202G>T (p.Ala1068Ser)

Gene: DEPDC5 (DEP domain containing 5, GATOR1 subcomplex subunit; plus strand). Cytogenetic location: 22q12.3.
Variant type: single nucleotide variant.
Coding change: c.3202G>T on transcript NM_001242896.3 (MANE Select); coding-DNA position 3202, G replaced by T.
Protein change: p.Ala1068Ser; replaces alanine 1068 with serine.
Molecular consequence: missense variant. On other transcripts: non-coding transcript variant (5).
Genome position (GRCh38, 1-based): chr22:31,857,491, G>T. VCF-style: chr22-31857491-G-T. GRCh37 (hg19) VCF-style: chr22-32253477-G-T.
Other names: c.3175G>T, p.Ala1059Ser (NM_001136029.4, NM_001369903.1, NM_014662.6); c.2968G>T, p.Ala990Ser (NM_001242897.2, NM_001363854.2, NM_001364319.2); c.3202G>T, p.Ala1068Ser (NM_001363852.2, NM_001364318.2, NM_001364320.2); c.3118G>T, p.Ala1040Ser (NM_001369901.1, NM_001369902.1); short protein forms A1040S, A1059S, A1068S, A990S.
Identifiers: ClinVar variation 4800630 (VCV004800630.1).

ClinVar aggregate classification (germline): Uncertain significance (1 of 4 stars; one submission).

Conditions:
Familial focal epilepsy with variable foci (FPEVF). Identifiers: Orphanet 98820, MedGen C1858477, MONDO:0020310.

gnomAD v4.1: 53 of 1,611,992 alleles (0.0033%); highest among the groups gnomAD compares: Non-Finnish European, 0.0045%; no homozygotes.

Submission:

Labcorp Genetics (formerly Invitae), Labcorp
Classification: Uncertain significance for Familial focal epilepsy with variable foci. Last evaluated: 2025-03-14. Review status: criteria provided, single submitter. Criteria: Invitae Variant Classification Sherloc (09022015). Collection method: clinical testing. Allele origin: germline.
Comment: This sequence change replaces alanine, which is neutral and non-polar, with serine, which is neutral and polar, at codon 1068 of the DEPDC5 protein (p.Ala1068Ser). This variant is not present in population databases (gnomAD no frequency). This variant has not been reported in the literature in individuals affected with DEPDC5-related conditions. An algorithm developed to predict the effect of missense changes on protein structure and function outputs the following: PolyPhen-2: "Not Available". The serine amino acid residue is found in multiple mammalian species, which suggests that this missense change does not adversely affect protein function. In summary, the available evidence is currently insufficient to determine the role of this variant in disease. Therefore, it has been classified as a Variant of Uncertain Significance.